The following is an entry in ClinVar:

ClinVar aggregate classification (germline): Likely benign (0 of 4 stars; one submission).

Conditions:
KDR-related disorder. Also called: KDR-related condition.

Allele frequency attached by ClinVar (database versions not stated): gnomAD exomes below 0.00001.
gnomAD v4.1: 2 of 1,596,316 alleles (0.00013%); highest among the groups gnomAD compares: African/African-American, 0.0013%; no homozygotes.

Submission:

PreventionGenetics, part of Exact Sciences
Classification: Likely benign for KDR-related condition. Last evaluated: 2019-03-25. Review status: no assertion criteria provided. Collection method: clinical testing. Allele origin: germline.
Comment: This variant is classified as likely benign based on ACMG/AMP sequence variant interpretation guidelines (Richards et al. 2015 PMID: 25741868, with internal and published modifications).

NM_002253.4(KDR):c.3510+10C>T

Gene: KDR (kinase insert domain receptor; minus strand). Cytogenetic location: 4q12.
Variant type: single nucleotide variant.
Coding change: c.3510+10C>T on transcript NM_002253.4 (MANE Select); 10 bases into the intron after coding-DNA position 3510, C replaced by T.
Molecular consequence: intron variant.
Genome position (GRCh38, 1-based): chr4:55,088,858, G>A on the plus strand (C>T on the coding strand, the complement: KDR is on the minus strand). VCF-style: chr4-55088858-G-A. GRCh37 (hg19) VCF-style: chr4-55955025-G-A.
Identifiers: ClinVar variation 3057489 (VCV003057489.2), dbSNP rs2110010059, ClinGen allele CA2670659531.